The following is an entry in ClinVar:

NM_007194.4(CHEK2):c.491G>C (p.Ser164Thr)

Gene: CHEK2 (checkpoint kinase 2; minus strand). Cytogenetic location: 22q12.1.
Variant type: single nucleotide variant.
Coding change: c.491G>C on transcript NM_007194.4 (MANE Select); coding-DNA position 491, G replaced by C.
Protein change: p.Ser164Thr; replaces serine 164 with threonine.
Molecular consequence: missense variant. On other transcripts: 5 prime UTR variant (2), intron variant (1).
Genome position (GRCh38, 1-based): chr22:28,725,078, C>G on the plus strand (G>C on the coding strand, the complement: CHEK2 is on the minus strand). VCF-style: chr22-28725078-C-G. GRCh37 (hg19) VCF-style: chr22-29121066-C-G.
Other names: c.620G>C, p.Ser207Thr (NM_001005735.3, NM_001438294.1); c.-287G>C (NM_001257387.3); c.-173G>C (NM_001437942.1); c.584G>C, p.Ser195Thr (NM_001438293.1, NM_001438295.1); c.491G>C, p.Ser164Thr (NM_145862.3); c.445-155G>C (NM_001349956.3); short protein forms S164T, S207T, S195T.
Identifiers: ClinVar variation 530033 (VCV000530033.12), dbSNP rs1555926921, ClinGen allele CA411107518.

ClinVar aggregate classification (germline): Uncertain significance. Review status: criteria provided, multiple submitters, no conflicts (2 of 4 stars). 2 submissions from 2 submitters: Uncertain significance (2). Last evaluated 2025-03-18.

Conditions:
Familial cancer of breast. Also called: BREAST CANCER, FAMILIAL; Hereditary breast cancer; hereditary breast carcinoma. Identifiers: Orphanet 227535, MedGen C0346153, MONDO:0016419, OMIM 114480. Disease mechanism: loss of function.
Hereditary cancer-predisposing syndrome. Also called: Hereditary neoplastic syndrome; Neoplastic Syndromes, Hereditary; Hereditary Cancer Syndrome; Tumor predisposition. Identifiers: Orphanet 140162, MedGen C0027672, MeSH D009386, MONDO:0015356.

Submissions (2):

Ambry Genetics
Classification: Uncertain significance for Hereditary cancer-predisposing syndrome. Last evaluated: 2025-03-18. Review status: criteria provided, single submitter. Criteria: Ambry Variant Classification Scheme 2023. Collection method: clinical testing. Allele origin: germline.
Comment: The p.S164T variant (also known as c.491G>C), located in coding exon 3 of the CHEK2 gene, results from a G to C substitution at nucleotide position 491. The serine at codon 164 is replaced by threonine, an amino acid with similar properties. This variant was reported as functionally impaired in a study assessing CHEK2-complementation through quantification of KAP1 phosphorylation and CHK2 autophosphorylation in human RPE1-CHEK2-knockout cells (Stolarova L et al. Clin Cancer Res, 2023 Aug;29:3037-3050). This amino acid position is highly conserved in available vertebrate species. In addition, this alteration is predicted to be deleterious by in silico analysis. Based on the available evidence, the clinical significance of this variant remains unclear.

Labcorp Genetics (formerly Invitae), Labcorp
Classification: Uncertain significance for Familial cancer of breast. Last evaluated: 2024-04-30. Review status: criteria provided, single submitter. Criteria: Invitae Variant Classification Sherloc (09022015). Collection method: clinical testing. Allele origin: germline.
Comment: This sequence change replaces serine, which is neutral and polar, with threonine, which is neutral and polar, at codon 164 of the CHEK2 protein (p.Ser164Thr). This variant is not present in population databases (gnomAD no frequency). This variant has not been reported in the literature in individuals affected with CHEK2-related conditions. ClinVar contains an entry for this variant (Variation ID: 530033). An algorithm developed to predict the effect of missense changes on protein structure and function (PolyPhen-2) suggests that this variant is likely to be disruptive. In summary, the available evidence is currently insufficient to determine the role of this variant in disease. Therefore, it has been classified as a Variant of Uncertain Significance.

Literature cited by the submitters: PubMed 37449874 (cited by Ambry Genetics).